The following is an entry in ClinVar:

ClinVar aggregate classification (germline): Uncertain significance. Review status: criteria provided, multiple submitters, no conflicts (2 of 4 stars). 4 submissions from 4 submitters: Uncertain significance (4). Last evaluated 2024-01-24.

Conditions:
Polyhydramnios, megalencephaly, and symptomatic epilepsy (PMSE). Also called: PMSE SYNDROME. Identifiers: Orphanet 500533, MedGen C1970203, MONDO:0012611, OMIM 611087.

Allele frequency attached by ClinVar (database versions not stated): 1000 Genomes Project 30x 0.00016; 1000 Genomes Project 0.00020; gnomAD exomes 0.00036 and 0.00053; ExAC 0.00037; TOPMed 0.00037; gnomAD 0.00038 and 0.00039; ESP Exome Variant Server 0.00062.

Submissions (4):

Labcorp Genetics (formerly Invitae), Labcorp
Classification: Uncertain significance for Polyhydramnios, megalencephaly, and symptomatic epilepsy. Last evaluated: 2024-01-24. Review status: criteria provided, single submitter. Criteria: Invitae Variant Classification Sherloc (09022015). Collection method: clinical testing. Allele origin: germline.
Comment: This sequence change replaces arginine, which is basic and polar, with histidine, which is basic and polar, at codon 395 of the STRADA protein (p.Arg395His). This variant is present in population databases (rs150880597, gnomAD 0.06%). This variant has not been reported in the literature in individuals affected with STRADA-related conditions. ClinVar contains an entry for this variant (Variation ID: 536755). An algorithm developed to predict the effect of missense changes on protein structure and function (PolyPhen-2) suggests that this variant¬†is likely to be tolerated. In summary, the available evidence is currently insufficient to determine the role of this variant in disease. Therefore, it has been classified as a Variant of Uncertain Significance.

Fulgent Genetics
Classification: Uncertain significance for Polyhydramnios, megalencephaly, and symptomatic epilepsy. Last evaluated: 2023-12-29. Review status: criteria provided, single submitter. Criteria: ACMG Guidelines, 2015. Collection method: clinical testing. Allele origin: germline.

Mayo Clinic Laboratories, Mayo Clinic
Classification: Uncertain significance. Last evaluated: 2023-01-10. Review status: criteria provided, single submitter. Criteria: ACMG Guidelines, 2015. Collection method: clinical testing. Allele origin: germline. Observed: 1 variant allele.
Comment: BP4

Breakthrough Genomics
Classification: Uncertain significance. Review status: criteria provided, single submitter. Criteria: ACMG Guidelines, 2015. Collection method: not provided. Allele origin: germline. Inheritance: Autosomal recessive inheritance. Affected: yes.

Literature cited by the submitters: PubMed 35830182 (cited by Mayo Clinic Laboratories, Mayo Clinic).

NM_001003787.4(STRADA):c.1184G>A (p.Arg395His)

Gene: STRADA (STE20 related adaptor alpha; minus strand). Cytogenetic location: 17q23.3.
Variant type: single nucleotide variant.
Coding change: c.1184G>A on transcript NM_001003787.4 (MANE Select); coding-DNA position 1184, G replaced by A.
Protein change: p.Arg395His; replaces arginine 395 with histidine.
Molecular consequence: missense variant. On other transcripts: 3 prime UTR variant (6), synonymous variant (1), non-coding transcript variant (1).
Genome position (GRCh38, 1-based): chr17:63,703,711, C>T on the plus strand (G>A on the coding strand, the complement: STRADA is on the minus strand). VCF-style: chr17-63703711-C-T. GRCh37 (hg19) VCF-style: chr17-61781071-C-T.
Other names: p.Arg395His; c.1073G>A, p.Arg358His (NM_001003786.3); c.1010G>A, p.Arg337His (NM_001003788.3); c.*61G>A (NM_001165969.2, NM_001165970.2, NM_001363788.1 and 2 more transcripts); c.1160G>A, p.Arg387His (NM_001363786.1); c.1097G>A, p.Arg366His (NM_001363787.1); c.876G>A, p.Ser292= (NM_001363790.1); c.*572G>A (NM_153335.6); short protein forms R395H, R358H, R337H, R366H, R387H.
Identifiers: ClinVar variation 536755 (VCV000536755.11), dbSNP rs150880597, ClinGen allele CA8703068.
Genomic context (GRCh38, chr17:63,703,711, plus strand): 5'-AAGATTCCACTGTGGTCCTGAGACTGGCTGCCCTCAAAATTGGTGATGGGGGTGACAGGA[C>T]GAAGCAATTCGGGCAAAGCCTCTGAGGCACGTCGCTTGATCTGGGGGAGAAGAGAGAGGT-3'
Protein context (NP_001003787.1, residues 385-405): RASEALPELL[Arg395His]PVTPITNFEG